The following is an entry in ClinVar:

ClinVar aggregate classification (germline): Pathogenic (1 of 4 stars; one submission).

Conditions:
Kabuki syndrome. Also called: Kabuki make-up syndrome; NIIKAWA-KUROKI SYNDROME. Identifiers: Orphanet 2322, MedGen C0796004, MONDO:0016512.

Submission:

Labcorp Genetics (formerly Invitae), Labcorp
Classification: Pathogenic for Kabuki syndrome. Last evaluated: 2022-08-27. Review status: criteria provided, single submitter. Criteria: Invitae Variant Classification Sherloc (09022015). Collection method: clinical testing. Allele origin: germline.
Comment: For these reasons, this variant has been classified as Pathogenic. This premature translational stop signal has been observed in individual(s) with Kabuki syndrome (PMID: 31935506). This variant is not present in population databases (gnomAD no frequency). This sequence change creates a premature translational stop signal (p.Glu524Lysfs*406) in the KMT2D gene. It is expected to result in an absent or disrupted protein product. Loss-of-function variants in KMT2D are known to be pathogenic (PMID: 22126750).

Literature cited by the submitters: PubMed 31935506; PubMed 22126750.

NM_003482.4(KMT2D):c.1570del (p.Glu524fs)

Gene: KMT2D (lysine methyltransferase 2D; minus strand). Cytogenetic location: 12q13.12.
Variant type: Deletion.
Coding change: c.1570del on transcript NM_003482.4 (MANE Select); coding-DNA position 1570, one base deleted (G; older notation c.1570delG).
Protein change: p.Glu524fs; shifts the reading frame from glutamic acid 524.
Molecular consequence: frameshift variant.
Genome position (GRCh38, 1-based): chr12:49,052,113, C deleted on the plus strand (G on the coding strand, the reverse complement: KMT2D is on the minus strand); the first of 2 consecutive C bases (chr12:49,052,113-49,052,114); deleting either gives the same sequence. VCF-style (leftmost placement, unchanged base first): chr12-49052112-TC-T. GRCh37 (hg19) VCF-style: chr12-49445895-TC-T.
Other names: short protein forms E524fs.
Identifiers: ClinVar variation 1917933 (VCV001917933.5), dbSNP rs2498458921, ClinGen allele CA2580086373.